The following is an entry in ClinVar:

ClinVar aggregate classification (germline): Likely benign. Review status: criteria provided, multiple submitters, no conflicts (2 of 4 stars). 2 submissions from 2 submitters: Likely benign (2). Last evaluated 2026-07-07.

Conditions:
GAN-related disorder. Also called: GAN-related condition.
Giant axonal neuropathy 1 (GAN1). Also called: GIANT AXONAL NEUROPATHY 1, AUTOSOMAL RECESSIVE; GAN-Related Neurodegeneration. Identifiers: Orphanet 643, MedGen C1850386, MONDO:0009749, OMIM 256850.

Allele frequency attached by ClinVar (database versions not stated): TOPMed 0.00002; gnomAD 0.00003.
gnomAD v4.1: 44 of 1,613,518 alleles (0.0027%); highest among the groups gnomAD compares: Non-Finnish European, 0.0032%; no homozygotes.

Submissions (2):

PreventionGenetics, part of Exact Sciences
Classification: Likely benign for GAN-related condition. Last evaluated: 2026-07-07. Review status: criteria provided, single submitter. Criteria: ACMG Guidelines, 2015. Collection method: clinical testing. Allele origin: germline.
Comment: This variant is classified as likely benign based on ACMG/AMP sequence variant interpretation guidelines (Richards et al. 2015 PMID: 25741868, with internal and published modifications).

Labcorp Genetics (formerly Invitae), Labcorp
Classification: Likely benign for Giant axonal neuropathy 1. Last evaluated: 2022-12-01. Review status: criteria provided, single submitter. Criteria: Invitae Variant Classification Sherloc (09022015). Collection method: clinical testing. Allele origin: germline.

NM_022041.4(GAN):c.921C>T (p.Ile307=)

Gene: GAN (gigaxonin; plus strand). Cytogenetic location: 16q23.2.
Variant type: single nucleotide variant.
Coding change: c.921C>T on transcript NM_022041.4 (MANE Select); coding-DNA position 921, C replaced by T.
Protein change: p.Ile307=; no amino-acid change (isoleucine 307 retained).
Molecular consequence: synonymous variant.
Genome position (GRCh38, 1-based): chr16:81,357,879, C>T. VCF-style: chr16-81357879-C-T. GRCh37 (hg19) VCF-style: chr16-81391484-C-T.
Other names: c.282C>T, p.Ile94= (NM_001377486.1).
Identifiers: ClinVar variation 2037074 (VCV002037074.5), dbSNP rs368910322, ClinGen allele CA8191534.